The following is an entry in ClinVar:

ClinVar aggregate classification (germline): Uncertain significance. Review status: criteria provided, multiple submitters, no conflicts (2 of 4 stars). 2 submissions from 2 submitters: Uncertain significance (2). Last evaluated 2025-08-20.

Conditions:
STAT3 gain of function. Identifiers: MedGen C4288261.
Hyper-IgE recurrent infection syndrome 1, autosomal dominant. Also called: HYPER-IgE SYNDROME 1, AUTOSOMAL DOMINANT, WITH RECURRENT INFECTIONS; Job's Syndrome; JOB SYNDROME; STAT3 Hyper IgE Syndrome; Hyper-IgE recurrent infection syndrome 1. Identifiers: Orphanet 2314, MedGen C2936739, MONDO:0007818, OMIM 147060.

Allele frequency attached by ClinVar (database versions not stated): ExAC 0.00001; gnomAD 0.00001; TOPMed 0.00001; gnomAD exomes 0.00002.
gnomAD v4.1: 33 of 1,613,468 alleles (0.002%); highest among the groups gnomAD compares: Non-Finnish European, 0.0027%; no homozygotes.

Submissions (2):

Labcorp Genetics (formerly Invitae), Labcorp
Classification: Uncertain significance for STAT3 gain of function; Hyper-IgE recurrent infection syndrome 1, autosomal dominant. Last evaluated: 2025-08-20. Review status: criteria provided, single submitter. Criteria: Invitae Variant Classification Sherloc (09022015). Collection method: clinical testing. Allele origin: germline.
Comment: This sequence change affects codon 350 of the STAT3 mRNA. It is a 'silent' change, meaning that it does not change the encoded amino acid sequence of the STAT3 protein. It affects a nucleotide within the consensus splice site. This variant is present in population databases (rs771738153, gnomAD 0.004%). This variant has not been reported in the literature in individuals affected with STAT3-related conditions. ClinVar contains an entry for this variant (Variation ID: 891205). Algorithms developed to predict the effect of sequence changes on RNA splicing suggest that this variant is not likely to affect RNA splicing. In summary, the available evidence is currently insufficient to determine the role of this variant in disease. Therefore, it has been classified as a Variant of Uncertain Significance.

Illumina Laboratory Services, Illumina
Classification: Uncertain significance for Hyper-IgE recurrent infection syndrome 1, autosomal dominant. Last evaluated: 2017-04-27. Review status: criteria provided, single submitter. Criteria: ICSL Variant Classification Criteria 13 December 2019. Collection method: clinical testing. Allele origin: germline.

NM_139276.3(STAT3):c.1050G>A (p.Arg350=)

Gene: STAT3 (signal transducer and activator of transcription 3; minus strand). Cytogenetic location: 17q21.2.
Variant type: single nucleotide variant.
Coding change: c.1050G>A on transcript NM_139276.3 (MANE Select); coding-DNA position 1050, G replaced by A.
Protein change: p.Arg350=; no amino-acid change (arginine 350 retained).
Molecular consequence: synonymous variant.
Genome position (GRCh38, 1-based): chr17:42,331,531, C>T on the plus strand (G>A on the coding strand, the complement: STAT3 is on the minus strand). VCF-style: chr17-42331531-C-T. GRCh37 (hg19) VCF-style: chr17-40483549-C-T.
Other names: c.1050G>A, p.Arg350= (NM_001369512.1, NM_001369513.1, NM_001369514.1 and 7 more transcripts).
Identifiers: ClinVar variation 891205 (VCV000891205.13), dbSNP rs771738153, ClinGen allele CA8575476.